The following is an entry in ClinVar:

ClinVar aggregate classification (germline): Uncertain significance. Review status: criteria provided, multiple submitters, no conflicts (2 of 4 stars). 2 submissions from 2 submitters: Uncertain significance (2). Last evaluated 2024-08-19.

Conditions:
Hereditary cancer-predisposing syndrome. Also called: Neoplastic Syndromes, Hereditary; Hereditary neoplastic syndrome; Tumor predisposition; Hereditary Cancer Syndrome. Identifiers: Orphanet 140162, MedGen C0027672, MeSH D009386, MONDO:0015356.
Familial adenomatous polyposis 1 (FAP1). Also called: FAMILIAL ADENOMATOUS POLYPOSIS 1, ATTENUATED; POLYPOSIS, ADENOMATOUS INTESTINAL. Identifiers: MedGen C2713442, MONDO:0021056, OMIM 175100. Disease mechanism: loss of function.

Submissions (2):

Ambry Genetics
Classification: Uncertain significance for Hereditary cancer-predisposing syndrome. Last evaluated: 2024-08-19. Review status: criteria provided, single submitter. Criteria: Ambry Variant Classification Scheme 2023. Collection method: clinical testing. Allele origin: germline.
Comment: The p.D1722V variant (also known as c.5165A>T), located in coding exon 15 of the APC gene, results from an A to T substitution at nucleotide position 5165. The aspartic acid at codon 1722 is replaced by valine, an amino acid with highly dissimilar properties. This amino acid position is conserved. In addition, in silico predictors for this gene do not accurately predict pathogenicity. Based on the available evidence, the clinical significance of this variant remains unclear.

Labcorp Genetics (formerly Invitae), Labcorp
Classification: Uncertain significance for Familial adenomatous polyposis 1. Last evaluated: 2023-07-10. Review status: criteria provided, single submitter. Criteria: Invitae Variant Classification Sherloc (09022015). Collection method: clinical testing. Allele origin: germline.
Comment: In summary, the available evidence is currently insufficient to determine the role of this variant in disease. Therefore, it has been classified as a Variant of Uncertain Significance. Advanced modeling of protein sequence and biophysical properties (such as structural, functional, and spatial information, amino acid conservation, physicochemical variation, residue mobility, and thermodynamic stability) performed at Invitae indicates that this missense variant is not expected to disrupt APC protein function. This variant has not been reported in the literature in individuals affected with APC-related conditions. This variant is not present in population databases (gnomAD no frequency). This sequence change replaces aspartic acid, which is acidic and polar, with valine, which is neutral and non-polar, at codon 1722 of the APC protein (p.Asp1722Val).

NM_000038.6(APC):c.5165A>T (p.Asp1722Val)

Gene: APC (APC regulator of Wnt signaling pathway; plus strand). Cytogenetic location: 5q22.2.
Variant type: single nucleotide variant.
Coding change: c.5165A>T on transcript NM_000038.6 (MANE Select); coding-DNA position 5165, A replaced by T.
Protein change: p.Asp1722Val; replaces aspartic acid 1722 with valine.
Molecular consequence: missense variant. On other transcripts: non-coding transcript variant (2).
Genome position (GRCh38, 1-based): chr5:112,840,759, A>T. VCF-style: chr5-112840759-A-T. GRCh37 (hg19) VCF-style: chr5-112176456-A-T.
Other names: c.5165A>T, p.Asp1722Val (NM_001407450.1, NM_001127510.3, NM_001354895.2); c.5144A>T, p.Asp1715Val (NM_001407451.1); c.5135A>T, p.Asp1712Val (NM_001407452.1); c.4988A>T, p.Asp1663Val (NM_001407453.1, NM_001354901.2); c.4916A>T, p.Asp1639Val (NM_001407454.1, NM_001407455.1, NM_001407456.1 and 1 more transcripts); c.4862A>T, p.Asp1621Val (NM_001407458.1, NM_001407459.1, NM_001407460.1 and 1 more transcripts); c.4316A>T, p.Asp1439Val (NM_001407470.1, NM_001354906.2); c.4013A>T, p.Asp1338Val (NM_001407471.1, NM_001407472.1); and 12 more; short protein forms D1338V, D1596V, D1704V, D1715V, D1439V, D1593V, D1663V, D1697V.
Identifiers: ClinVar variation 2890069 (VCV002890069.4), dbSNP rs1175970075, ClinGen allele CA16032622.